The following is an entry in ClinVar:

ClinVar aggregate classification (germline): Uncertain significance. Review status: criteria provided, multiple submitters, no conflicts (2 of 4 stars). 2 submissions from 2 submitters: Uncertain significance (2). Last evaluated 2025-09-04.

Allele frequency attached by ClinVar (database versions not stated): TOPMed 0.00001.
gnomAD v4.1: 1 of 1,614,084 alleles (0.000062%); highest among the groups gnomAD compares: Admixed American, 0.0017%; no homozygotes.

Submissions (2):

Ambry Genetics
Classification: Uncertain significance. Last evaluated: 2025-09-04. Review status: criteria provided, single submitter. Criteria: Ambry Variant Classification Scheme 2023. Collection method: clinical testing. Allele origin: germline.

Labcorp Genetics (formerly Invitae), Labcorp
Classification: Uncertain significance. Last evaluated: 2023-02-09. Review status: criteria provided, single submitter. Criteria: Invitae Variant Classification Sherloc (09022015). Collection method: clinical testing. Allele origin: germline.
Comment: In summary, the available evidence is currently insufficient to determine the role of this variant in disease. Therefore, it has been classified as a Variant of Uncertain Significance. Algorithms developed to predict the effect of missense changes on protein structure and function are either unavailable or do not agree on the potential impact of this missense change (SIFT: "Deleterious"; PolyPhen-2: "Probably Damaging"; Align-GVGD: "Class C0"). This variant has not been reported in the literature in individuals affected with KANK1-related conditions. This variant is not present in population databases (gnomAD no frequency). This sequence change replaces threonine, which is neutral and polar, with arginine, which is basic and polar, at codon 157 of the KANK1 protein (p.Thr157Arg).

NM_015158.5(KANK1):c.470C>G (p.Thr157Arg)

Gene: KANK1 (KN motif and ankyrin repeat domains 1; plus strand). Cytogenetic location: 9p24.3.
Variant type: single nucleotide variant.
Coding change: c.470C>G on transcript NM_015158.5 (MANE Select); coding-DNA position 470, C replaced by G.
Protein change: p.Thr157Arg; replaces threonine 157 with arginine.
Molecular consequence: missense variant. On other transcripts: 5 prime UTR variant (12), non-coding transcript variant (1).
Genome position (GRCh38, 1-based): chr9:711,236, C>G. VCF-style: chr9-711236-C-G. GRCh37 (hg19) VCF-style: chr9-711236-C-G.
Other names: c.470C>G, p.Thr157Arg (NM_001256876.3, NM_001256877.3, NM_001354331.2 and 2 more transcripts); c.-5C>G (NM_001354333.2, NM_001354335.2, NM_001354336.2 and 9 more transcripts); c.470C>G (NM_015158.2); short protein forms T157R.
Identifiers: ClinVar variation 2721071 (VCV002721071.4), dbSNP rs750443512, ClinGen allele CA372746219.